The following is an entry in ClinVar:

NM_002076.4(GNS):c.506G>A (p.Trp169Ter)

Gene: GNS (glucosamine (N-acetyl)-6-sulfatase; minus strand). Cytogenetic location: 12q14.3.
Variant type: single nucleotide variant.
Coding change: c.506G>A on transcript NM_002076.4 (MANE Select); coding-DNA position 506, G replaced by A.
Protein change: p.Trp169Ter; replaces tryptophan 169 with a stop codon.
Molecular consequence: nonsense.
Genome position (GRCh38, 1-based): chr12:64,745,678, C>T on the plus strand (G>A on the coding strand, the complement: GNS is on the minus strand). VCF-style: chr12-64745678-C-T. GRCh37 (hg19) VCF-style: chr12-65139458-C-T.
Other names: short protein forms W169*.
Identifiers: ClinVar variation 1072342 (VCV001072342.8), dbSNP rs2136248862, ClinGen allele CA385609772.

ClinVar aggregate classification (germline): Pathogenic. Review status: criteria provided, multiple submitters, no conflicts (2 of 4 stars). 2 submissions from 2 submitters: Pathogenic (2). Last evaluated 2024-11-06.

Conditions:
Mucopolysaccharidosis, MPS-III-D (MPS3D). Also called: MPS III D; Mucopoly-saccharidosis type 3D; N-acetylglucosamine-6-sulfate sulfatase deficiency; MPS 3D; N-ACETYLGLUCOSAMINE-6-SULFATASE DEFICIENCY; SANFILIPPO SYNDROME D. Identifiers: Orphanet 581, Orphanet 79272, MedGen C0086650, MONDO:0009658, OMIM 252940.

Submissions (2):

Labcorp Genetics (formerly Invitae), Labcorp
Classification: Pathogenic for Mucopolysaccharidosis, MPS-III-D. Last evaluated: 2024-11-06. Review status: criteria provided, single submitter. Criteria: Invitae Variant Classification Sherloc (09022015). Collection method: clinical testing. Allele origin: germline.
Comment: This sequence change creates a premature translational stop signal (p.Trp169*) in the GNS gene. It is expected to result in an absent or disrupted protein product. Loss-of-function variants in GNS are known to be pathogenic (PMID: 20232353). This variant is not present in population databases (gnomAD no frequency). This variant has not been reported in the literature in individuals affected with GNS-related conditions. ClinVar contains an entry for this variant (Variation ID: 1072342). For these reasons, this variant has been classified as Pathogenic.

Clinical Biomedical Laboratory, Shriners Hospital For Children - Canada
Classification: Pathogenic for Mucopolysaccharidosis, MPS-III-D. Review status: criteria provided, single submitter. Criteria: ACMG Guidelines, 2015. Collection method: clinical testing. Allele origin: germline. Affected: yes.
Comment: This variant is predicted to substitute a tryptophan residue by a stop codon. This is expected to lead to degradation of the affected transcript and loss of function of the affected allele. Homozygous loss of function variants in GNS are associated with mucopolysaccharidosis type IIID (Sanfilippo syndrome), which has significant overlap with the phenotype of the proband. This variant is absent from the Genome Aggregation Database (v2.1.1.), indicating it is very rare. Based on the ACMG variant interpretation guidelines (criteria: PVS1, PM2, PM3, PP4), the available evidence supports classification of this variant as pathogenic.

Literature cited by the submitters: PubMed 20232353 (cited by Labcorp Genetics (formerly Invitae), Labcorp).